The following is an entry in ClinVar:

ClinVar aggregate classification (germline): Uncertain significance (1 of 4 stars; one submission).

Submission:

Clinical Genomics Laboratory, Washington University in St. Louis
Classification: Uncertain significance. Last evaluated: 2026-03-08. Review status: criteria provided, single submitter. Criteria: ACMG Guidelines, 2015. Collection method: clinical testing. Allele origin: germline.
Comment: The UNC13B c.11446C>T (p.Gln3816*) variant, to our knowledge, has not been reported in the medical literature and is absent from the general population (gnomAD v4.1.0), indicating it is not a common variant. This variant causes a premature termination codon, which is predicted to lead to nonsense mediated decay. Due to limited information, the clinical significance of this variant is uncertain.

NM_001371189.2(UNC13B):c.11446C>T (p.Gln3816Ter)

Gene: UNC13B (unc-13 homolog B; plus strand). Cytogenetic location: 9p13.3.
Variant type: single nucleotide variant.
Coding change: c.11446C>T on transcript NM_001371189.2 (MANE Select); coding-DNA position 11446, C replaced by T.
Protein change: p.Gln3816Ter; replaces glutamine 3816 with a stop codon.
Molecular consequence: nonsense. On other transcripts: non-coding transcript variant (1).
Genome position (GRCh38, 1-based): chr9:35,396,851, C>T. VCF-style: chr9-35396851-C-T. GRCh37 (hg19) VCF-style: chr9-35396848-C-T.
Other names: c.3199C>T, p.Gln1067Ter (NM_001330653.3, NM_006377.6); c.3196C>T, p.Gln1066Ter (NM_001371186.2); c.4339C>T, p.Gln1447Ter (NM_001371187.2); c.2089C>T, p.Gln697Ter (NM_001371188.2); c.3235C>T, p.Gln1079Ter (NM_001387551.1); c.3052C>T, p.Gln1018Ter (NM_001387553.1); c.3049C>T, p.Gln1017Ter (NM_001387554.1); c.4336C>T, p.Gln1446Ter (NM_001387555.1); short protein forms Q1017*, Q1018*, Q1066*, Q1067*, Q1079*, Q1446*, Q1447*, Q3816*.
Identifiers: ClinVar variation 4879496 (VCV004879496.1).